The following is an entry in ClinVar:

NM_001013838.3(CARMIL2):c.2887G>A (p.Ala963Thr)

Gene: CARMIL2 (capping protein regulator and myosin 1 linker 2; plus strand). Cytogenetic location: 16q22.1.
Variant type: single nucleotide variant.
Coding change: c.2887G>A on transcript NM_001013838.3 (MANE Select); coding-DNA position 2887, G replaced by A.
Protein change: p.Ala963Thr; replaces alanine 963 with threonine.
Molecular consequence: missense variant.
Genome position (GRCh38, 1-based): chr16:67,653,021, G>A. VCF-style: chr16-67653021-G-A. GRCh37 (hg19) VCF-style: chr16-67686924-G-A.
Other names: c.2887G>A (NM_001013838.1); c.2779G>A, p.Ala927Thr (NM_001317026.3); short protein forms A927T, A963T.
Identifiers: ClinVar variation 1165746 (VCV001165746.45), dbSNP rs760147008, ClinGen allele CA8113942.

ClinVar aggregate classification (germline): Conflicting classifications of pathogenicity. Review status: criteria provided, conflicting classifications (1 of 4 stars). 5 submissions from 5 submitters: Uncertain significance (1); Benign (1); Likely benign (2). 1 of the submissions does not count toward it. Last evaluated 2026-01-24.

Conditions:
Inborn genetic diseases. Identifiers: MedGen C0950123, MeSH D030342.
CARMIL2-related disorder. Also called: CARMIL2-related condition.

Allele frequency attached by ClinVar (database versions not stated): ExAC 0.00024; 1000 Genomes Project 30x 0.00047; TOPMed 0.00133; gnomAD 0.00152 and 0.00158; gnomAD exomes 0.00154 and 0.00283.

Submissions (5):

Labcorp Genetics (formerly Invitae), Labcorp
Classification: Benign. Last evaluated: 2026-01-24. Review status: criteria provided, single submitter. Criteria: Invitae Variant Classification Sherloc (09022015). Collection method: clinical testing. Allele origin: germline.

CeGaT Center for Human Genetics Tuebingen
Classification: Likely benign. Last evaluated: 2025-04-01. Review status: criteria provided, single submitter. Criteria: CeGaT Center For Human Genetics Tuebingen Variant Classification Criteria Version 2. Collection method: clinical testing. Allele origin: germline. Affected: yes. Observed: 5 variant alleles.
Comment: CARMIL2: BS2

Blueprint Genetics
Classification: Likely benign. Last evaluated: 2024-11-19. Review status: criteria provided, single submitter. Criteria: ACMG Guidelines, 2015. Collection method: clinical testing. Allele origin: germline.

Ambry Genetics
Classification: Uncertain significance for Inborn genetic diseases. Last evaluated: 2021-09-15. Review status: criteria provided, single submitter. Criteria: Ambry Variant Classification Scheme 2023. Collection method: clinical testing. Allele origin: germline.

PreventionGenetics, part of Exact Sciences
Classification: Likely benign for CARMIL2-related condition. Last evaluated: 2022-02-26. Review status: no assertion criteria provided. Collection method: clinical testing. Allele origin: germline. Not counted in ClinVar's aggregate classification.
Comment: This variant is classified as likely benign based on ACMG/AMP sequence variant interpretation guidelines (Richards et al. 2015 PMID: 25741868, with internal and published modifications).